The following is an entry in ClinVar:

ClinVar aggregate classification (germline): Benign/Likely benign. Review status: criteria provided, multiple submitters, no conflicts (2 of 4 stars). 3 submissions from 3 submitters: Benign (2); Likely benign (1). Last evaluated 2026-01-29.

Allele frequency attached by ClinVar (database versions not stated): gnomAD exomes 0.00053 and 0.00136; ExAC 0.00174; 1000 Genomes Project 0.00559; ESP Exome Variant Server 0.00577; gnomAD 0.00585 and 0.00632; TOPMed 0.00636; 1000 Genomes Project 30x 0.00640.
gnomAD v4.1: 1,669 of 1,614,016 alleles (0.1%); highest among the groups gnomAD compares: African/African-American, 2.1%; 21 homozygotes.

Submissions (3):

Women's Health and Genetics/Laboratory Corporation of America, LabCorp
Classification: Likely benign. Last evaluated: 2026-01-29. Review status: criteria provided, single submitter. Criteria: LabCorp Variant Classification Summary - May 2015. Collection method: clinical testing. Allele origin: germline.
Comment: Variant summary: ITPKB c.959A>C (p.Asp320Ala) results in a non-conservative amino acid change in the encoded protein sequence. Algorithms developed to predict the effect of missense changes on protein structure and function are either unavailable or do not agree on the potential impact of this missense change. The variant allele was found at a frequency of 0.0014 in 251206 control chromosomes, predominantly at a frequency of 0.02 within the African or African-American subpopulation in the gnomAD database, including 5 homozygotes. The observed variant frequency within African or African-American control individuals in the gnomAD database exceeds the estimated maximal expected allele frequency for disease-causing variants in ITPKB. To our knowledge, no occurrence of c.959A>C in individuals affected with ITPKB-related conditions and no experimental evidence demonstrating its impact on protein function have been reported. ClinVar contains an entry for this variant (Variation ID: 712256). Based on the evidence outlined above, the variant was classified as likely benign.

Labcorp Genetics (formerly Invitae), Labcorp
Classification: Benign. Last evaluated: 2018-02-26. Review status: criteria provided, single submitter. Criteria: Invitae Variant Classification Sherloc (09022015). Collection method: clinical testing. Allele origin: germline.

Breakthrough Genomics
Classification: Benign. Review status: criteria provided, single submitter. Criteria: ACMG Guidelines, 2015. Collection method: not provided. Allele origin: germline. Inheritance: Unknown mechanism. Affected: yes.

NM_002221.4(ITPKB):c.959A>C (p.Asp320Ala)

Gene: ITPKB (inositol-trisphosphate 3-kinase B; minus strand). Cytogenetic location: 1q42.12.
Variant type: single nucleotide variant.
Coding change: c.959A>C on transcript NM_002221.4 (MANE Select); coding-DNA position 959, A replaced by C.
Protein change: p.Asp320Ala; replaces aspartic acid 320 with alanine.
Molecular consequence: missense variant.
Genome position (GRCh38, 1-based): chr1:226,736,500, T>G on the plus strand (A>C on the coding strand, the complement: ITPKB is on the minus strand). VCF-style: chr1-226736500-T-G. GRCh37 (hg19) VCF-style: chr1-226924201-T-G.
Other names: c.959A>C, p.Asp320Ala (NM_001388404.1); short protein forms D320A.
Identifiers: ClinVar variation 712256 (VCV000712256.5), dbSNP rs35957083, ClinGen allele CA1424051.
Genomic context (GRCh38, chr1:226,736,500, plus strand): 5'-TCTGGGGGCTGCAGGTCCTCAAGCTCACGGGCTCTCCCAGACGGCTCAGTGAGGGCAAGA[T>G]CCTGTGGACGGTGTGGCCCAGTGGATGTAACTCTCGCTGCCACTTCCGTGGCCATCGTTA-3'
Protein context (NP_002212.3, residues 310-330): VTSTGPHRPQ[Asp320Ala]LALTEPSGRA